The following is an entry in ClinVar:

ClinVar aggregate classification (germline): Benign. Review status: criteria provided, multiple submitters, no conflicts (2 of 4 stars). 4 submissions from 4 submitters: Benign (3). 1 of the submissions does not count toward it. Last evaluated 2025-07-30.

Conditions:
RAI1-related disorder. Also called: RAI1-related condition.
Inborn genetic diseases. Identifiers: MedGen C0950123, MeSH D030342.

Submissions (4):

Labcorp Genetics (formerly Invitae), Labcorp
Classification: Benign. Last evaluated: 2025-07-30. Review status: criteria provided, single submitter. Criteria: Invitae Variant Classification Sherloc (09022015). Collection method: clinical testing. Allele origin: germline.

CeGaT Center for Human Genetics Tuebingen
Classification: Benign. Last evaluated: 2024-03-01. Review status: criteria provided, single submitter. Criteria: CeGaT Center For Human Genetics Tuebingen Variant Classification Criteria Version 2. Collection method: clinical testing. Allele origin: germline. Affected: yes. Observed: 2 variant alleles.
Comment: RAI1: BS1, BS2

Ambry Genetics
Classification: Benign for Inborn genetic diseases. Last evaluated: 2019-01-09. Review status: criteria provided, single submitter. Criteria: Ambry Variant Classification Scheme 2023. Collection method: clinical testing. Allele origin: germline.

PreventionGenetics, part of Exact Sciences
Classification: Likely benign for RAI1-related condition. Last evaluated: 2021-07-26. Review status: no assertion criteria provided. Collection method: clinical testing. Allele origin: germline. Not counted in ClinVar's aggregate classification.
Comment: This variant is classified as likely benign based on ACMG/AMP sequence variant interpretation guidelines (Richards et al. 2015 PMID: 25741868, with internal and published modifications).

NM_030665.4(RAI1):c.3731GCA[4] (p.Ser1248_Ser1249del)

Gene: RAI1 (retinoic acid induced 1; plus strand). Cytogenetic location: 17p11.2.
Variant type: Microsatellite.
Coding change: c.3731GCA[4] on transcript NM_030665.4 (MANE Select); four copies in a row of the 3-base unit GCA starting at c.3731; the reference has six copies in a row; two copies, 6 bases deleted.
Protein change: p.Ser1248_Ser1249del.
Molecular consequence: inframe deletion.
Genome position (GRCh38, 1-based): chr17:17,796,691-17,796,696, GCAGCA deleted; deleting any 6 consecutive bases within chr17:17,796,679-17,796,696 gives the same sequence; the position shown is the placement nearest the transcript's 3' end. VCF-style (leftmost placement, unchanged base first): chr17-17796678-CGCAGCA-C. GRCh37 (hg19) VCF-style: chr17-17699992-CGCAGCA-C.
Other names: c.3743_3748del6 (NM_030665.3).
Identifiers: ClinVar variation 1655222 (VCV001655222.35), dbSNP rs760919336, ClinGen allele CA8418805.